The following is an entry in ClinVar:

ClinVar aggregate classification (germline): Pathogenic (1 of 4 stars; one submission).

Conditions:
Bethlem myopathy 1A. Also called: Bethlem myopathy 1; MYOPATHY, BENIGN CONGENITAL, WITH CONTRACTURES; Bethlem Muscular Dystrophy. Identifiers: Orphanet 610, MedGen CN029274, MONDO:0024530, OMIM 158810.

Submission:

Labcorp Genetics (formerly Invitae), Labcorp
Classification: Pathogenic for Bethlem myopathy 1A. Last evaluated: 2024-06-10. Review status: criteria provided, single submitter. Criteria: Invitae Variant Classification Sherloc (09022015). Collection method: clinical testing. Allele origin: germline.
Comment: This sequence change creates a premature translational stop signal (p.Gln82*) in the COL6A3 gene. It is expected to result in an absent or disrupted protein product. Loss-of-function variants in COL6A3 are known to be pathogenic (PMID: 26004199). This variant is not present in population databases (gnomAD no frequency). This variant has not been reported in the literature in individuals affected with COL6A3-related conditions. For these reasons, this variant has been classified as Pathogenic.

Literature cited by the submitters: PubMed 26004199.

NM_004369.4(COL6A3):c.244C>T (p.Gln82Ter)

Gene: COL6A3 (collagen type VI alpha 3 chain; minus strand). Cytogenetic location: 2q37.3.
Variant type: single nucleotide variant.
Coding change: c.244C>T on transcript NM_004369.4 (MANE Select); coding-DNA position 244, C replaced by T.
Protein change: p.Gln82Ter; replaces glutamine 82 with a stop codon.
Molecular consequence: nonsense. On other transcripts: intron variant (4).
Genome position (GRCh38, 1-based): chr2:237,395,052, G>A on the plus strand (C>T on the coding strand, the complement: COL6A3 is on the minus strand). VCF-style: chr2-237395052-G-A. GRCh37 (hg19) VCF-style: chr2-238303695-G-A.
Other names: c.91+1675C>T (NM_057166.5, NM_057167.4, NM_057164.5 and 1 more transcripts); short protein forms Q82*.
Identifiers: ClinVar variation 3656146 (VCV003656146.2).